The following is an entry in ClinVar:

ClinVar aggregate classification (germline): Benign. Review status: criteria provided, multiple submitters, no conflicts (2 of 4 stars). 2 submissions from 2 submitters: Benign (2). Last evaluated 2018-06-14.

Allele frequency attached by ClinVar (database versions not stated): gnomAD 0.09800; TOPMed 0.11412; 1000 Genomes Project 30x 0.09166; 1000 Genomes Project 0.08586.

Submissions (2):

GeneDx
Classification: Benign. Last evaluated: 2018-06-14. Review status: criteria provided, single submitter. Criteria: GeneDx Variant Classification (06012015). Collection method: clinical testing. Allele origin: germline. Affected: yes.
Comment: This variant is considered likely benign or benign based on one or more of the following criteria: it is a conservative change, it occurs at a poorly conserved position in the protein, it is predicted to be benign by multiple in silico algorithms, and/or has population frequency not consistent with disease.

Breakthrough Genomics
Classification: Benign. Review status: criteria provided, single submitter. Criteria: ACMG Guidelines, 2015. Collection method: not provided. Allele origin: germline. Inheritance: Autosomal recessive inheritance. Affected: yes.

NM_001012985.2(COA6):c.-509A>C

Genes: COA6 (cytochrome c oxidase assembly factor 6; plus strand), COA6-AS1 (COA6 antisense RNA 1; minus strand). Cytogenetic location: 1q42.2.
Variant type: single nucleotide variant.
Coding change: c.-509A>C on transcript NM_001012985.2; 509 bases upstream of the start codon, A replaced by C.
Molecular consequence: non-coding transcript variant (on NR_125961.1).
Genome position (GRCh38, 1-based): chr1:234,373,210, A>C. VCF-style: chr1-234373210-A-C. GRCh37 (hg19) VCF-style: chr1-234508956-A-C.
Identifiers: ClinVar variation 683484 (VCV000683484.4), dbSNP rs11549817, ClinGen allele CA10793490.